The following is an entry in ClinVar:

ClinVar aggregate classification (germline): Uncertain significance. Review status: criteria provided, multiple submitters, no conflicts (2 of 4 stars). 2 submissions from 2 submitters: Uncertain significance (2). Last evaluated 2024-09-06.

Conditions:
Hereditary nonpolyposis colorectal neoplasms. Identifiers: MedGen C0009405, MeSH D003123.
Hereditary cancer-predisposing syndrome. Also called: Neoplastic Syndromes, Hereditary; Tumor predisposition; Hereditary Cancer Syndrome; Hereditary neoplastic syndrome. Identifiers: Orphanet 140162, MedGen C0027672, MeSH D009386, MONDO:0015356.

Submissions (2):

Labcorp Genetics (formerly Invitae), Labcorp
Classification: Uncertain significance for Hereditary nonpolyposis colorectal neoplasms. Last evaluated: 2024-09-06. Review status: criteria provided, single submitter. Criteria: Invitae Variant Classification Sherloc (09022015). Collection method: clinical testing. Allele origin: germline.
Comment: This sequence change replaces glycine, which is neutral and non-polar, with arginine, which is basic and polar, at codon 685 of the PMS2 protein (p.Gly685Arg). The frequency data for this variant in the population databases (gnomAD) is considered unreliable due to the presence of homologous sequence, such as pseudogenes or paralogs, in the genome. This missense change has been observed in individual(s) with PMS2-related conditions (PMID: 34687117; internal data). ClinVar contains an entry for this variant (Variation ID: 1785105). Invitae Evidence Modeling of protein sequence and biophysical properties (such as structural, functional, and spatial information, amino acid conservation, physicochemical variation, residue mobility, and thermodynamic stability) indicates that this missense variant is expected to disrupt PMS2 protein function with a positive predictive value of 80%. In summary, the available evidence is currently insufficient to determine the role of this variant in disease. Therefore, it has been classified as a Variant of Uncertain Significance.

Ambry Genetics
Classification: Uncertain significance for Hereditary cancer-predisposing syndrome. Last evaluated: 2020-08-18. Review status: criteria provided, single submitter. Criteria: Ambry Variant Classification Scheme 2023. Collection method: clinical testing. Allele origin: germline.
Comment: The p.G685R variant (also known as c.2053G>C), located in coding exon 12 of the PMS2 gene, results from a G to C substitution at nucleotide position 2053. The glycine at codon 685 is replaced by arginine, an amino acid with dissimilar properties. This amino acid position is highly conserved in available vertebrate species. In addition, this alteration is predicted to be deleterious by in silico analysis. Since supporting evidence is limited at this time, the clinical significance of this alteration remains unclear.

Literature cited by the submitters: PubMed 34687117 (cited by Labcorp Genetics (formerly Invitae), Labcorp).

NM_000535.7(PMS2):c.2053G>C (p.Gly685Arg)

Gene: PMS2 (PMS1 homolog 2, mismatch repair system component; minus strand). Cytogenetic location: 7p22.1.
Variant type: single nucleotide variant.
Coding change: c.2053G>C on transcript NM_000535.7 (MANE Select); coding-DNA position 2053, G replaced by C.
Protein change: p.Gly685Arg; replaces glycine 685 with arginine.
Molecular consequence: missense variant. On other transcripts: non-coding transcript variant (1).
Genome position (GRCh38, 1-based): chr7:5,982,945, C>G on the plus strand (G>C on the coding strand, the complement: PMS2 is on the minus strand). VCF-style: chr7-5982945-C-G. GRCh37 (hg19) VCF-style: chr7-6022576-C-G.
Other names: c.1744G>C, p.Gly582Arg (NM_001406877.1, NM_001406878.1, NM_001406879.1 and 5 more transcripts); c.1735G>C, p.Gly579Arg (NM_001406883.1, NM_001322007.2, NM_001322008.2 and 1 more transcripts); c.1648G>C, p.Gly550Arg (NM_001018040.1, NM_001322003.2, NM_001322004.2 and 15 more transcripts); c.1897G>C, p.Gly633Arg (NM_001322006.2, NM_001406870.1); c.1492G>C, p.Gly498Arg (NM_001322010.2, NM_001406906.1, NM_001406907.1); c.1120G>C, p.Gly374Arg (NM_001322011.2, NM_001322012.2); c.1480G>C, p.Gly494Arg (NM_001322013.2, NM_001406909.1); c.2053G>C, p.Gly685Arg (NM_001322014.2, NM_001406871.1); and 13 more; short protein forms G428R, G514R, G550R, G577R, G582R, G619R, G633R, G693R.
Identifiers: ClinVar variation 1785105 (VCV001785105.3), dbSNP rs1583299418, ClinGen allele CA366738099.